The following is an entry in ClinVar:

ClinVar aggregate classification (germline): Likely benign (1 of 4 stars; one submission).

gnomAD v4.1: 3 of 1,614,136 alleles (0.00019%); highest among the groups gnomAD compares: Non-Finnish European, 0.00025%; no homozygotes.

Submission:

Mayo Clinic Laboratories, Mayo Clinic
Classification: Likely benign. Last evaluated: 2025-10-14. Review status: criteria provided, single submitter. Criteria: ACMG Guidelines, 2015. Collection method: clinical testing. Allele origin: germline. Observed: 1 variant allele.
Comment: BP4, BP7

NM_001605.3(AARS1):c.2160T>A (p.Val720=)

Gene: AARS1 (alanyl-tRNA synthetase 1; minus strand). Cytogenetic location: 16q22.1.
Variant type: single nucleotide variant.
Coding change: c.2160T>A on transcript NM_001605.3 (MANE Select); coding-DNA position 2160, T replaced by A.
Protein change: p.Val720=; no amino-acid change (valine 720 retained).
Molecular consequence: synonymous variant.
Genome position (GRCh38, 1-based): chr16:70,258,050, A>T on the plus strand (T>A on the coding strand, the complement: AARS1 is on the minus strand). VCF-style: chr16-70258050-A-T. GRCh37 (hg19) VCF-style: chr16-70291953-A-T.
Other names: p.Val720=.
Identifiers: ClinVar variation 4684107 (VCV004684107.1).
Genomic context (GRCh38, chr16:70,258,050, plus strand): 5'-GAAGGTAGATGACCTGTCTACTCTGCCCCTCTGCAGTACTCACGTTCCCCCACAGAACTC[A>T]ACAGAAGTCAGGGAGCCAGCAGGCCCAGAGGGGTCATCCAGCAACTCGGACACCGGGACC-3'
Protein context (NP_001596.2, residues 710-730): PSGPAGSLTS[Val720=]EFCGGTHLRN